The following is an entry in ClinVar:

ClinVar aggregate classification (germline): Uncertain significance (0 of 4 stars; one submission).

Conditions:
TANC2-related disorder. Also called: TANC2-related condition.

gnomAD v4.1: 1 of 1,614,004 alleles (0.000062%); highest among the groups gnomAD compares: Admixed American, 0.0017%; no homozygotes.

Submission:

PreventionGenetics, part of Exact Sciences
Classification: Uncertain significance for TANC2-related condition. Last evaluated: 2024-05-14. Review status: no assertion criteria provided. Collection method: clinical testing. Allele origin: germline.
Comment: The TANC2 c.5571G>T variant is predicted to result in the amino acid substitution p.Gln1857His. To our knowledge, this variant has not been reported in the literature. This variant is reported in 0.0029% of alleles in individuals of Latino descent in gnomAD. At this time, the clinical significance of this variant is uncertain due to the absence of conclusive functional and genetic evidence.

NM_001394998.1(TANC2):c.5823G>T (p.Gln1941His)

Gene: TANC2 (tetratricopeptide repeat, ankyrin repeat and coiled-coil containing 2; plus strand). Cytogenetic location: 17q23.3.
Variant type: single nucleotide variant.
Coding change: c.5823G>T on transcript NM_001394998.1 (MANE Select); coding-DNA position 5823, G replaced by T.
Protein change: p.Gln1941His; replaces glutamine 1941 with histidine.
Molecular consequence: missense variant.
Genome position (GRCh38, 1-based): chr17:63,421,553, G>T. VCF-style: chr17-63421553-G-T. GRCh37 (hg19) VCF-style: chr17-61498914-G-T.
Other names: c.5601G>T, p.Gln1867His (NM_001411076.1); c.5571G>T, p.Gln1857His (NM_025185.4); short protein forms Q1857H, Q1867H, Q1941H.
Identifiers: ClinVar variation 3358742 (VCV003358742.1).